The following is an entry in ClinVar:

ClinVar aggregate classification (germline): Benign. Review status: criteria provided, multiple submitters, no conflicts (2 of 4 stars). 2 submissions from 2 submitters: Benign (2). Last evaluated 2018-06-14.

Allele frequency attached by ClinVar (database versions not stated): gnomAD 0.30100 and 0.30991; TOPMed 0.30772; gnomAD exomes 0.35798; 1000 Genomes Project 30x 0.37086; 1000 Genomes Project 0.37859.
gnomAD v4.1: 242,138 of 696,610 alleles (35%); highest among the groups gnomAD compares: East Asian, 62%; 45,993 homozygotes.

Submissions (2):

GeneDx
Classification: Benign. Last evaluated: 2018-06-14. Review status: criteria provided, single submitter. Criteria: GeneDx Variant Classification (06012015). Collection method: clinical testing. Allele origin: germline. Affected: yes.
Comment: This variant is considered likely benign or benign based on one or more of the following criteria: it is a conservative change, it occurs at a poorly conserved position in the protein, it is predicted to be benign by multiple in silico algorithms, and/or has population frequency not consistent with disease.

Breakthrough Genomics
Classification: Benign. Review status: criteria provided, single submitter. Criteria: ACMG Guidelines, 2015. Collection method: not provided. Allele origin: germline. Inheritance: Autosomal recessive inheritance. Affected: yes.

NM_001848.3(COL6A1):c.1822+231G>A

Gene: COL6A1 (collagen type VI alpha 1 chain; plus strand). Cytogenetic location: 21q22.3.
Variant type: single nucleotide variant.
Coding change: c.1822+231G>A on transcript NM_001848.3 (MANE Select); 231 bases into the intron after coding-DNA position 1822, G replaced by A.
Molecular consequence: intron variant.
Genome position (GRCh38, 1-based): chr21:46,000,998, G>A. VCF-style: chr21-46000998-G-A. GRCh37 (hg19) VCF-style: chr21-47420912-G-A.
Identifiers: ClinVar variation 679194 (VCV000679194.2), dbSNP rs11700421, ClinGen allele CA15985083.